The following is an entry in ClinVar:

ClinVar aggregate classification (germline): Pathogenic. Review status: reviewed by expert panel (3 of 4 stars). 3 submissions from 3 submitters: Pathogenic (1). 2 of the submissions do not count toward it. Last evaluated 2023-07-03.

Conditions:
Glycogen storage disease, type II (IOPD). Also called: POMPE DISEASE, INFANTILE-ONSET; GLYCOGEN STORAGE DISEASE II, INFANTILE-ONSET; ACID ALPHA-GLUCOSIDASE DEFICIENCY, INFANTILE-ONSET; GAA DEFICIENCY, INFANTILE-ONSET; ACID MALTASE DEFICIENCY, INFANTILE-ONSET; CARDIOMEGALIA GLYCOGENICA DIFFUSA. Identifiers: Orphanet 365, MedGen C0017921, MONDO:0009290, OMIM 232300.

Submissions (3):

ClinGen Lysosomal Storage Disorder Variant Curation Expert Panel
Classification: Pathogenic for Glycogen storage disease, type II. Last evaluated: 2023-07-03. Review status: reviewed by expert panel. Criteria: clingen_lsd_acmg_specifications_v2-1. Collection method: curation. Allele origin: germline. Inheritance: Autosomal recessive inheritance.
Comment: The NM_000152.5:c.1134C>G (p.Tyr378Ter) variant in GAA is a nonsense variant predicted to cause a premature stop codon in biologically-relevant-exon 7/20, leading to nonsense mediated decay in a gene in which loss-of-function is an established disease mechanism (PVS1). Two patients with this variant have been reported with Pompe disease, both treated with enzyme replacement therapy (PMID: 29181627, 31392188) (PP4). One of these individuals is compound heterozygous for the variant and a pathogenic variant in GAA, c.-32-13T>G (PMID: 31392188). The second patient is compound heterozygous for the variant and c.1478C>T (p.Pro493Leu) (PMID: 29181627); the allelic data for this patient will be used in the classification of p.Pro493Leu and was not included here to avoid circular logic (PM3_Supporting). This variant was absent in gnomAD v2.1.1 (PM2_Supporting). There is a ClinVar entry for this variant (Variation ID: 595469). In summary, this variant meets the criteria to be classified as pathogenic for Pompe disease. GAA-specific ACMG/AMP criteria applied, as specified by the ClinGen Lysosomal Diseases VCEP: PVS1, PP4, PM2_Supporting, PM3_Supporting. (Classification approved by the ClinGen Lysosomal Diseases VCEP, July 3, 2023)

Genomenon, Inc
Classification: Pathogenic for Glycogen storage disease, type II. Last evaluated: 2026-07-01. Review status: criteria provided, single submitter. Criteria: Genomenon Sequence Variant Interpretation Standards - Updated. Collection method: curation. Allele origin: germline. Affected: yes. Not counted in ClinVar's aggregate classification.
Comment: GAA p.Tyr378Ter (c.1134C>G) is a nonsense variant that introduces a premature stop codon at amino acid position 378 and is predicted to result in a truncated or absent protein product. This variant has been observed in at least one proband with a GAA-related disorder (PMID:31392188). It is absent or not present at a significant frequency in gnomAD. In conclusion, we classify GAA p.Tyr378Ter (c.1134C>G) as a pathogenic variant.

Eurofins Ntd Llc (ga)
Classification: Pathogenic. Last evaluated: 2018-01-19. Review status: criteria provided, single submitter. Criteria: EGL Classification Definitions 2015. Collection method: clinical testing. Allele origin: germline. Observed: 1 variant allele, 1 heterozygote. Not counted in ClinVar's aggregate classification.

Literature cited by the submitters: PubMed 31392188 (cited by Genomenon, Inc).

NM_000152.5(GAA):c.1134C>G (p.Tyr378Ter)

Gene: GAA (alpha glucosidase; plus strand). Cytogenetic location: 17q25.3.
Variant type: single nucleotide variant.
Coding change: c.1134C>G on transcript NM_000152.5 (MANE Select); coding-DNA position 1134, C replaced by G.
Protein change: p.Tyr378Ter; replaces tyrosine 378 with a stop codon.
Molecular consequence: nonsense.
Genome position (GRCh38, 1-based): chr17:80,108,547, C>G. VCF-style: chr17-80108547-C-G. GRCh37 (hg19) VCF-style: chr17-78082346-C-G.
Other names: c.1134C>G, p.Tyr378Ter (NM_001079803.3, NM_001079804.3); short protein forms Y378*.
Identifiers: ClinVar variation 595469 (VCV000595469.10), dbSNP rs1567830317, ClinGen allele CA401365023.
Genomic context (GRCh38, chr17:80,108,547, plus strand): 5'-AGGATACCCGTTCATGCCGCCATACTGGGGCCTGGGCTTCCACCTGTGCCGCTGGGGCTA[C>G]TCCTCCACCGCTATCACCCGCCAGGTGGTGGAGAACATGACCAGGGCCCACTTCCCCCTG-3'